The following is an entry in ClinVar:

NM_002180.3(IGHMBP2):c.1684A>G (p.Lys562Glu)

Gene: IGHMBP2 (immunoglobulin mu DNA binding protein 2; plus strand). Cytogenetic location: 11q13.3.
Variant type: single nucleotide variant.
Coding change: c.1684A>G on transcript NM_002180.3 (MANE Select); coding-DNA position 1684, A replaced by G.
Protein change: p.Lys562Glu; replaces lysine 562 with glutamic acid.
Molecular consequence: missense variant.
Genome position (GRCh38, 1-based): chr11:68,935,350, A>G. VCF-style: chr11-68935350-A-G. GRCh37 (hg19) VCF-style: chr11-68702818-A-G.
Other names: short protein forms K562E.
Identifiers: ClinVar variation 570225 (VCV000570225.10), dbSNP rs1566445093, ClinGen allele CA381651118.

ClinVar aggregate classification (germline): Uncertain significance (1 of 4 stars; one submission).

Conditions:
Autosomal recessive distal spinal muscular atrophy 1. Also called: Spinal muscular atrophy with respiratory distress 1; NEURONOPATHY, SEVERE INFANTILE AXONAL, WITH RESPIRATORY FAILURE; SEVERE INFANTILE AXONAL NEUROPATHY WITH RESPIRATORY FAILURE; SPINAL MUSCULAR ATROPHY, DIAPHRAGMATIC; NEURONOPATHY, DISTAL HEREDITARY MOTOR, HARDING TYPE VI; NEUROPATHY, DISTAL HEREDITARY MOTOR, AUTOSOMAL RECESSIVE 1. Identifiers: Orphanet 98920, MedGen C1858517, MONDO:0011436, OMIM 604320.
Charcot-Marie-Tooth disease axonal type 2S. Also called: CHARCOT-MARIE-TOOTH NEUROPATHY, TYPE 2S; CHARCOT-MARIE-TOOTH DISEASE, AXONAL, AUTOSOMAL RECESSIVE, TYPE 2S. Identifiers: Orphanet 443073, MedGen C4015349, MONDO:0014511, OMIM 616155.

Allele frequency attached by ClinVar (database versions not stated): gnomAD exomes below 0.00001.
gnomAD v4.1: 1 of 1,614,162 alleles (0.000062%); highest among the groups gnomAD compares: Non-Finnish European, 0.000085%; no homozygotes.

Submission:

Labcorp Genetics (formerly Invitae), Labcorp
Classification: Uncertain significance for Autosomal recessive distal spinal muscular atrophy 1; Charcot-Marie-Tooth disease axonal type 2S. Last evaluated: 2018-09-01. Review status: criteria provided, single submitter. Criteria: Invitae Variant Classification Sherloc (09022015). Collection method: clinical testing. Allele origin: germline.
Comment: Algorithms developed to predict the effect of missense changes on protein structure and function are either unavailable or do not agree on the potential impact of this missense change (SIFT: "Tolerated"; PolyPhen-2: "Possibly Damaging"; Align-GVGD: "Class C0"). This variant has not been reported in the literature in individuals with IGHMBP2-related disease. In summary, the available evidence is currently insufficient to determine the role of this variant in disease. Therefore, it has been classified as a Variant of Uncertain Significance. This sequence change replaces lysine with glutamic acid at codon 562 of the IGHMBP2 protein (p.Lys562Glu). The lysine residue is moderately conserved and there is a small physicochemical difference between lysine and glutamic acid. This variant is not present in population databases (ExAC no frequency).